The following is an entry in ClinVar:

ClinVar aggregate classification (germline): Benign. Review status: criteria provided, multiple submitters, no conflicts (2 of 4 stars). 3 submissions from 3 submitters: Benign (2). 1 of the submissions does not count toward it. Last evaluated 2026-02-02.

Conditions:
C2CD3-related disorder. Also called: C2CD3-related condition.

Allele frequency attached by ClinVar (database versions not stated): gnomAD exomes 0.01190; ExAC 0.01266; 1000 Genomes Project 30x 0.01390; 1000 Genomes Project 0.01458; TOPMed 0.02036; gnomAD 0.02163 and 0.02269; ESP Exome Variant Server 0.02218.
gnomAD v4.1: 21,384 of 1,614,066 alleles (1.3%); highest among the groups gnomAD compares: African/African-American, 4.7%; 229 homozygotes.

Submissions (3):

Labcorp Genetics (formerly Invitae), Labcorp
Classification: Benign. Last evaluated: 2026-02-02. Review status: criteria provided, single submitter. Criteria: Invitae Variant Classification Sherloc (09022015). Collection method: clinical testing. Allele origin: germline.

Breakthrough Genomics
Classification: Benign. Review status: criteria provided, single submitter. Criteria: ACMG Guidelines, 2015. Collection method: not provided. Allele origin: germline. Inheritance: Autosomal recessive inheritance. Affected: yes.

PreventionGenetics, part of Exact Sciences
Classification: Benign for C2CD3-related condition. Last evaluated: 2019-08-05. Review status: no assertion criteria provided. Collection method: clinical testing. Allele origin: germline. Not counted in ClinVar's aggregate classification.
Comment: This variant is classified as benign based on ACMG/AMP sequence variant interpretation guidelines (Richards et al. 2015 PMID: 25741868, with internal and published modifications).

NM_001286577.2(C2CD3):c.5330C>A (p.Ala1777Glu)

Gene: C2CD3 (C2 domain containing 3 centriole elongation regulator; minus strand). Cytogenetic location: 11q13.4.
Variant type: single nucleotide variant.
Coding change: c.5330C>A on transcript NM_001286577.2 (MANE Select); coding-DNA position 5330, C replaced by A.
Protein change: p.Ala1777Glu; replaces alanine 1777 with glutamic acid.
Molecular consequence: missense variant.
Genome position (GRCh38, 1-based): chr11:74,049,368, G>T on the plus strand (C>A on the coding strand, the complement: C2CD3 is on the minus strand). VCF-style: chr11-74049368-G-T. GRCh37 (hg19) VCF-style: chr11-73760413-G-T.
Other names: c.5330C>A, p.Ala1777Glu (NM_015531.6); c.5330C>A (NM_015531.5); short protein forms A1777E.
Identifiers: ClinVar variation 1645009 (VCV001645009.11), dbSNP rs111594125, ClinGen allele CA6181924.
Genomic context (GRCh38, chr11:74,049,368, plus strand): 5'-TGGTTAGGGATGTGAATCTCCATACATACCAGTGATTTTGAGGTCTCCACTCCACGCCTT[G>T]CTTGCCTTTCTTCTTTGAAGTGTATCAAACTCTCCAAAGGGGAGACAGCAACTTTTATCT-3'
Protein context (NP_001273506.1, residues 1767-1787): SLIHFKEERQ[Ala1777Glu]RRGVETSKSL